The following is an entry in ClinVar:

ClinVar aggregate classification (germline): Uncertain significance (1 of 4 stars; one submission).

Submission:

Dasa
Classification: Uncertain significance. Last evaluated: 2025-02-08. Review status: criteria provided, single submitter. Criteria: DASA Assertion Criteria. Collection method: clinical testing. Allele origin: germline.
Comment: NM_007118.4(TRIO):c.8777G>C (p.Ser2926Thr) is a missense variant that results in the substitution of serine with threonine. This variant is absent from population databases. Computational prediction algorithms are consistent with a benign effect. The currently available literature and clinical evidence are not sufficient to establish a definitive association between this variant and the reported condition. Therefore, this variant is classified as a variant of uncertain significance.

NM_007118.4(TRIO):c.8777G>C (p.Ser2926Thr)

Gene: TRIO (trio Rho guanine nucleotide exchange factor; plus strand). Cytogenetic location: 5p15.2.
Variant type: single nucleotide variant.
Coding change: c.8777G>C on transcript NM_007118.4 (MANE Select); coding-DNA position 8777, G replaced by C.
Protein change: p.Ser2926Thr; replaces serine 2926 with threonine.
Molecular consequence: missense variant. On other transcripts: non-coding transcript variant (1).
Genome position (GRCh38, 1-based): chr5:14,507,905, G>C. VCF-style: chr5-14507905-G-C. GRCh37 (hg19) VCF-style: chr5-14508014-G-C.
Other names: short protein forms S2926T.
Identifiers: ClinVar variation 4886697 (VCV004886697.2).